The following is an entry in ClinVar:

ClinVar aggregate classification (germline): Likely pathogenic (1 of 4 stars; one submission).

Conditions:
Emery-Dreifuss muscular dystrophy 4, autosomal dominant (EDMD4). Also called: EMERY-DREIFUSS MUSCULAR DYSTROPHY 4 WITH VARIABLE FEATURES. Identifiers: Orphanet 261, MedGen C2751807, MONDO:0013071, OMIM 612998.
Autosomal recessive ataxia, Beauce type. Also called: SYNE1 Deficiency; Spinocerebellar ataxia, autosomal recessive 8; ATAXIA, RECESSIVE, OF BEAUCE; SYNE1-Related Autosomal Recessive Cerebellar Ataxia. Identifiers: Orphanet 88644, MedGen C1853116, MONDO:0012549, OMIM 610743.

Allele frequency attached by ClinVar (database versions not stated): ExAC 0.00002.
gnomAD v4.1: 3 of 1,613,956 alleles (0.00019%); highest among the groups gnomAD compares: Admixed American, 0.005%; no homozygotes.

Submission:

Labcorp Genetics (formerly Invitae), Labcorp
Classification: Likely pathogenic for Emery-Dreifuss muscular dystrophy 4, autosomal dominant; Autosomal recessive ataxia, Beauce type. Last evaluated: 2022-10-17. Review status: criteria provided, single submitter. Criteria: Invitae Variant Classification Sherloc (09022015). Collection method: clinical testing. Allele origin: germline.
Comment: In summary, the currently available evidence indicates that the variant is pathogenic, but additional data are needed to prove that conclusively. Therefore, this variant has been classified as Likely Pathogenic. Algorithms developed to predict the effect of sequence changes on RNA splicing suggest that this variant may disrupt the consensus splice site. This variant has not been reported in the literature in individuals affected with SYNE1-related conditions. This variant is present in population databases (rs778979964, gnomAD 0.006%). This sequence change affects a donor splice site in intron 21 of the SYNE1 gene. It is expected to disrupt RNA splicing. Variants that disrupt the donor or acceptor splice site typically lead to a loss of protein function (PMID: 16199547), and loss-of-function variants in SYNE1 are known to be pathogenic (PMID: 19542096, 24319099, 27086870).

Literature cited by the submitters: PubMed 16199547; PubMed 19542096; PubMed 24319099; PubMed 27086870.

NM_182961.4(SYNE1):c.2394+1G>A

Gene: SYNE1 (spectrin repeat containing nuclear envelope protein 1; minus strand). Cytogenetic location: 6q25.2.
Variant type: single nucleotide variant.
Coding change: c.2394+1G>A on transcript NM_182961.4 (MANE Select); the canonical splice donor site of the intron after coding-DNA position 2394, G replaced by A.
Molecular consequence: splice donor variant.
Genome position (GRCh38, 1-based): chr6:152,461,596, C>T on the plus strand (G>A on the coding strand, the complement: SYNE1 is on the minus strand). VCF-style: chr6-152461596-C-T. GRCh37 (hg19) VCF-style: chr6-152782731-C-T.
Other names: c.2415+1G>A (NM_033071.5).
Identifiers: ClinVar variation 1954270 (VCV001954270.5), dbSNP rs778979964, ClinGen allele CA4059157.